The following is an entry in ClinVar:

ClinVar aggregate classification (germline): Uncertain significance (1 of 4 stars; one submission).

gnomAD v4.1: 2 of 1,610,368 alleles (0.00012%); highest among the groups gnomAD compares: Non-Finnish European, 0.00017%; no homozygotes.

Submission:

Labcorp Genetics (formerly Invitae), Labcorp
Classification: Uncertain significance. Last evaluated: 2025-04-21. Review status: criteria provided, single submitter. Criteria: Invitae Variant Classification Sherloc (09022015). Collection method: clinical testing. Allele origin: germline.
Comment: This sequence change replaces methionine, which is neutral and non-polar, with threonine, which is neutral and polar, at codon 278 of the KANK2 protein (p.Met278Thr). This variant is not present in population databases (gnomAD no frequency). This variant has not been reported in the literature in individuals affected with KANK2-related conditions. An algorithm developed to predict the effect of missense changes on protein structure and function (PolyPhen-2) suggests that this variant is likely to be tolerated. In summary, the available evidence is currently insufficient to determine the role of this variant in disease. Therefore, it has been classified as a Variant of Uncertain Significance.

NM_001136191.3(KANK2):c.833T>C (p.Met278Thr)

Gene: KANK2 (KN motif and ankyrin repeat domains 2; minus strand). Cytogenetic location: 19p13.2.
Variant type: single nucleotide variant.
Coding change: c.833T>C on transcript NM_001136191.3 (MANE Select); coding-DNA position 833, T replaced by C.
Protein change: p.Met278Thr; replaces methionine 278 with threonine.
Molecular consequence: missense variant.
Genome position (GRCh38, 1-based): chr19:11,193,247, A>G on the plus strand (T>C on the coding strand, the complement: KANK2 is on the minus strand). VCF-style: chr19-11193247-A-G. GRCh37 (hg19) VCF-style: chr19-11303923-A-G.
Other names: c.833T>C, p.Met278Thr (NM_001329451.2, NM_001379548.1, NM_001379549.1 and 15 more transcripts); short protein forms M278T.
Identifiers: ClinVar variation 4771792 (VCV004771792.1).